The following is an entry in ClinVar:

ClinVar aggregate classification (germline): Conflicting classifications of pathogenicity. Review status: criteria provided, conflicting classifications (1 of 4 stars). 4 submissions from 4 submitters: Uncertain significance (3); Likely benign (1). Last evaluated 2024-11-01.

Conditions:
Inborn genetic diseases. Identifiers: MedGen C0950123, MeSH D030342.
L-2-hydroxyglutaric aciduria (L2HGA). Identifiers: Orphanet 79314, MedGen C1855995, MONDO:0009370, OMIM 236792, HP:0040144.

Allele frequency attached by ClinVar (database versions not stated): ExAC below 0.00001; gnomAD exomes 0.00002 and 0.00004; TOPMed 0.00003; gnomAD 0.00005.
gnomAD v4.1: 71 of 1,604,700 alleles (0.0044%); highest among the groups gnomAD compares: Non-Finnish European, 0.0056%; no homozygotes.

Submissions (4):

CeGaT Center for Human Genetics Tuebingen
Classification: Uncertain significance. Last evaluated: 2024-11-01. Review status: criteria provided, single submitter. Criteria: CeGaT Center For Human Genetics Tuebingen Variant Classification Criteria Version 2. Collection method: clinical testing. Allele origin: germline. Affected: yes. Observed: 1 variant allele.

Ambry Genetics
Classification: Likely benign for Inborn genetic diseases. Last evaluated: 2022-12-01. Review status: criteria provided, single submitter. Criteria: Ambry Variant Classification Scheme 2023. Collection method: clinical testing. Allele origin: germline.

Labcorp Genetics (formerly Invitae), Labcorp
Classification: Uncertain significance for L-2-hydroxyglutaric aciduria. Last evaluated: 2021-08-26. Review status: criteria provided, single submitter. Criteria: Invitae Variant Classification Sherloc (09022015). Collection method: clinical testing. Allele origin: germline.
Comment: This sequence change replaces proline with serine at codon 24 of the L2HGDH protein (p.Pro24Ser). The proline residue is weakly conserved and there is a moderate physicochemical difference between proline and serine. The frequency data for this variant in the population databases is considered unreliable, as metrics indicate poor data quality at this position in the ExAC database. This variant has not been reported in the literature in individuals affected with L2HGDH-related conditions. Algorithms developed to predict the effect of missense changes on protein structure and function output the following: SIFT: "Tolerated"; PolyPhen-2: "Benign"; Align-GVGD: "Class C0". The serine amino acid residue is found in multiple mammalian species, which suggests that this missense change does not adversely affect protein function. In summary, the available evidence is currently insufficient to determine the role of this variant in disease. Therefore, it has been classified as a Variant of Uncertain Significance.

Athena Diagnostics
Classification: Uncertain significance. Last evaluated: 2020-11-24. Review status: criteria provided, single submitter. Criteria: Athena Diagnostics criteria. Collection method: clinical testing. Allele origin: unknown.

NM_024884.3(L2HGDH):c.70C>T (p.Pro24Ser)

Genes: DMAC2L (distal membrane arm assembly component 2 like; plus strand), L2HGDH (L-2-hydroxyglutarate dehydrogenase; minus strand). Cytogenetic location: 14q21.3.
Variant type: single nucleotide variant.
Coding change: c.70C>T on transcript NM_024884.3 (MANE Select); coding-DNA position 70, C replaced by T.
Protein change: p.Pro24Ser; replaces proline 24 with serine.
Molecular consequence: missense variant.
Genome position (GRCh38, 1-based): chr14:50,312,081, G>A on the plus strand (C>T on the coding strand, the complement: L2HGDH is on the minus strand). VCF-style: chr14-50312081-G-A. GRCh37 (hg19) VCF-style: chr14-50778799-G-A.
Other names: short protein forms P24S.
Identifiers: ClinVar variation 576215 (VCV000576215.21), dbSNP rs749417358, ClinGen allele CA7178135.